The following is an entry in ClinVar:

NM_001080397.3(SLC45A1):c.1256T>C (p.Leu419Pro)

Gene: SLC45A1 (solute carrier family 45 member 1; plus strand). Cytogenetic location: 1p36.23.
Variant type: single nucleotide variant.
Coding change: c.1256T>C on transcript NM_001080397.3 (MANE Select); coding-DNA position 1256, T replaced by C.
Protein change: p.Leu419Pro; replaces leucine 419 with proline.
Molecular consequence: missense variant.
Genome position (GRCh38, 1-based): chr1:8,330,749, T>C. VCF-style: chr1-8330749-T-C. GRCh37 (hg19) VCF-style: chr1-8390809-T-C.
Other names: NM_001379618.1:c.650T>C; c.1256T>C, p.Leu419Pro (NM_001379614.1); c.1163T>C, p.Leu388Pro (NM_001379615.1, NM_001379616.1); c.650T>C, p.Leu217Pro (NM_001379617.1, NM_001379618.1); short protein forms L217P, L388P, L419P.
Identifiers: ClinVar variation 3236658 (VCV003236658.1), dbSNP rs374431547, ClinGen allele CA17661718.

ClinVar aggregate classification (germline): Uncertain significance (1 of 4 stars; one submission).

Conditions:
Intellectual developmental disorder with neuropsychiatric features. Identifiers: MedGen C4479636, MONDO:0044322, OMIM 617532.

Allele frequency attached by ClinVar (database versions not stated): ESP Exome Variant Server 0.00008.
gnomAD v4.1: 35 of 1,613,218 alleles (0.0022%); highest among the groups gnomAD compares: Non-Finnish European, 0.0029%; no homozygotes.

Submission:

Broad Center for Mendelian Genomics, Broad Institute of MIT and Harvard
Classification: Uncertain significance for Intellectual developmental disorder with neuropsychiatric features. Last evaluated: 2024-05-16. Review status: criteria provided, single submitter. Criteria: ACMG Guidelines, 2015. Collection method: curation. Allele origin: germline. Inheritance: Autosomal recessive inheritance.
Comment: This variant was absent from large population studies and has been identified in 0.003% (34/1180024) of European (non-Finnish) chromosomes by the Genome Aggregation Database (gnomAD; dbSNP (rs146331013)). Although this variant has been seen in the general population in a heterozygous state, its frequency is low enough to be consistent with a recessive carrier frequency. Computational prediction tools, including splice predictors, and conservation analyses suggest that this variant may not impact the protein, though this information is not predictive enough to rule out pathogenicity. In summary, the clinical significance of the p.Arg42Trp variant is uncertain. ACMG/AMP Criteria applied: PM2_Supporting, BP4 (Richards 2015).